The following is an entry in ClinVar:

ClinVar aggregate classification (germline): Conflicting classifications of pathogenicity. Review status: criteria provided, conflicting classifications (1 of 4 stars). 5 submissions from 5 submitters: Uncertain significance (4); Likely benign (1). Last evaluated 2025-02-06.

Conditions:
ADGRV1-related disorder. Also called: ADGRV1-related condition; ADGRV1-related disorders.
Inborn genetic diseases. Identifiers: MedGen C0950123, MeSH D030342.

Allele frequency attached by ClinVar (database versions not stated): gnomAD exomes below 0.00001 and 0.00001.
gnomAD v4.1: 5 of 1,613,218 alleles (0.00031%); highest among the groups gnomAD compares: Middle Eastern, 0.017%; no homozygotes.

Submissions (5):

GeneDx
Classification: Uncertain significance. Last evaluated: 2025-02-06. Review status: criteria provided, single submitter. Criteria: GeneDx Variant Classification Process June 2021. Collection method: clinical testing. Allele origin: germline. Affected: yes.
Comment: Not observed at significant frequency in large population cohorts (gnomAD); In silico analysis indicates that this missense variant does not alter protein structure/function; Has not been previously published as pathogenic or benign to our knowledge

Labcorp Genetics (formerly Invitae), Labcorp
Classification: Likely benign. Last evaluated: 2023-12-22. Review status: criteria provided, single submitter. Criteria: Invitae Variant Classification Sherloc (09022015). Collection method: clinical testing. Allele origin: germline.

Ambry Genetics
Classification: Uncertain significance for Inborn genetic diseases. Last evaluated: 2023-07-12. Review status: criteria provided, single submitter. Criteria: Ambry Variant Classification Scheme 2023. Collection method: clinical testing. Allele origin: germline.

PreventionGenetics, part of Exact Sciences
Classification: Uncertain significance for ADGRV1-related condition. Last evaluated: 2022-12-16. Review status: criteria provided, single submitter. Criteria: ACMG Guidelines, 2015. Collection method: clinical testing. Allele origin: germline.
Comment: The ADGRV1 c.1799A>G variant is predicted to result in the amino acid substitution p.Asn600Ser. To our knowledge, this variant has not been reported in the literature. This variant is reported in 0.0033% of alleles in individuals of South Asian descent in gnomAD. At this time, the clinical significance of this variant is uncertain due to the absence of conclusive functional and genetic evidence.

Laboratory for Molecular Medicine, Mass General Brigham Personalized Medicine
Classification: Uncertain significance. Last evaluated: 2015-02-04. Review status: criteria provided, single submitter. Criteria: LMM Criteria. Collection method: clinical testing. Allele origin: germline. Observed: 1 variant allele.
Comment: Variant classified as Uncertain Significance - Favor Benign. The p.Asn600Ser var iant in GPR98 has not been previously reported in individuals with hearing loss and was absent from large population studies. The asparagine (Asn) at position 6 00 is not conserved in mammals or evolutionary distant species, with Brush-taile d rat and two bird species having a serine (Ser), raising the possibility that a change at this position may be tolerated. Additional computational prediction t ools do not provide strong support for or against an impact to the protein. In s ummary, while the clinical significance of the Asn600Ser variant is uncertain, t he conservation data suggest that it is more likely to be benign.

NM_032119.4(ADGRV1):c.1799A>G (p.Asn600Ser)

Gene: ADGRV1 (adhesion G protein-coupled receptor V1; plus strand). Cytogenetic location: 5q14.3.
Variant type: single nucleotide variant.
Coding change: c.1799A>G on transcript NM_032119.4 (MANE Select); coding-DNA position 1799, A replaced by G.
Protein change: p.Asn600Ser; replaces asparagine 600 with serine.
Molecular consequence: missense variant. On other transcripts: non-coding transcript variant (1).
Genome position (GRCh38, 1-based): chr5:90,629,499, A>G. VCF-style: chr5-90629499-A-G. GRCh37 (hg19) VCF-style: chr5-89925316-A-G.
Other names: short protein forms N600S.
Identifiers: ClinVar variation 228718 (VCV000228718.12), dbSNP rs876657823, ClinGen allele CA10576662.